The following is an entry in ClinVar:

ClinVar aggregate classification (germline): Uncertain significance (1 of 4 stars; one submission).

Allele frequency attached by ClinVar (database versions not stated): TOPMed below 0.00001.

Submission:

Labcorp Genetics (formerly Invitae), Labcorp
Classification: Uncertain significance. Last evaluated: 2024-03-11. Review status: criteria provided, single submitter. Criteria: Invitae Variant Classification Sherloc (09022015). Collection method: clinical testing. Allele origin: germline.
Comment: This sequence change replaces histidine, which is basic and polar, with proline, which is neutral and non-polar, at codon 1962 of the ADGRV1 protein (p.His1962Pro). This variant is not present in population databases (gnomAD no frequency). This variant has not been reported in the literature in individuals affected with ADGRV1-related conditions. ClinVar contains an entry for this variant (Variation ID: 1476841). Advanced modeling of protein sequence and biophysical properties (such as structural, functional, and spatial information, amino acid conservation, physicochemical variation, residue mobility, and thermodynamic stability) performed at Invitae indicates that this missense variant is not expected to disrupt ADGRV1 protein function with a negative predictive value of 95%. In summary, the available evidence is currently insufficient to determine the role of this variant in disease. Therefore, it has been classified as a Variant of Uncertain Significance.

NM_032119.4(ADGRV1):c.5885A>C (p.His1962Pro)

Gene: ADGRV1 (adhesion G protein-coupled receptor V1; plus strand). Cytogenetic location: 5q14.3.
Variant type: single nucleotide variant.
Coding change: c.5885A>C on transcript NM_032119.4 (MANE Select); coding-DNA position 5885, A replaced by C.
Protein change: p.His1962Pro; replaces histidine 1962 with proline.
Molecular consequence: missense variant. On other transcripts: non-coding transcript variant (1).
Genome position (GRCh38, 1-based): chr5:90,683,806, A>C. VCF-style: chr5-90683806-A-C. GRCh37 (hg19) VCF-style: chr5-89979623-A-C.
Other names: short protein forms H1962P.
Identifiers: ClinVar variation 1476841 (VCV001476841.6), dbSNP rs1745254022, ClinGen allele CA360413583.